The following is an entry in ClinVar:

ClinVar aggregate classification (germline): Uncertain significance (1 of 4 stars; one submission).

Conditions:
Hereditary cancer-predisposing syndrome. Also called: Neoplastic Syndromes, Hereditary; Tumor predisposition; Hereditary Cancer Syndrome; Hereditary neoplastic syndrome. Identifiers: Orphanet 140162, MedGen C0027672, MeSH D009386, MONDO:0015356.

Submission:

Ambry Genetics
Classification: Uncertain significance for Hereditary cancer-predisposing syndrome. Last evaluated: 2024-12-10. Review status: criteria provided, single submitter. Criteria: Ambry Variant Classification Scheme 2023. Collection method: clinical testing. Allele origin: germline.
Comment: The p.R2301T variant (also known as c.6902G>C), located in coding exon 15 of the APC gene, results from a G to C substitution at nucleotide position 6902. The arginine at codon 2301 is replaced by threonine, an amino acid with similar properties. This amino acid position is well conserved in available vertebrate species. In addition, in silico predictors for this gene do not accurately predict pathogenicity. Missense alterations in APC are not a common cause of disease (Spier I et al. Genet Med. 2024 Feb;26(2):100992). Based on the available evidence, the clinical significance of this variant remains unclear.

NM_000038.6(APC):c.6902G>C (p.Arg2301Thr)

Gene: APC (APC regulator of Wnt signaling pathway; plus strand). Cytogenetic location: 5q22.2.
Variant type: single nucleotide variant.
Coding change: c.6902G>C on transcript NM_000038.6 (MANE Select); coding-DNA position 6902, G replaced by C.
Protein change: p.Arg2301Thr; replaces arginine 2301 with threonine.
Molecular consequence: missense variant.
Genome position (GRCh38, 1-based): chr5:112,842,496, G>C. VCF-style: chr5-112842496-G-C. GRCh37 (hg19) VCF-style: chr5-112178193-G-C.
Other names: c.6902G>C, p.Arg2301Thr (NM_001127510.3, NM_001354895.2, NM_001407450.1); c.6848G>C, p.Arg2283Thr (NM_001127511.3); c.6956G>C, p.Arg2319Thr (NM_001354896.2, NM_001407447.1, NM_001407448.1 and 1 more transcripts); c.6932G>C, p.Arg2311Thr (NM_001354897.2); c.6827G>C, p.Arg2276Thr (NM_001354898.2); c.6818G>C, p.Arg2273Thr (NM_001354899.2); c.6779G>C, p.Arg2260Thr (NM_001354900.2); c.6725G>C, p.Arg2242Thr (NM_001354901.2, NM_001407453.1); and 11 more; short protein forms R2210T, R2301T, R2319T, R2141T, R2172T, R2175T, R2200T, R2218T.
Identifiers: ClinVar variation 1756081 (VCV001756081.3), dbSNP rs2149975877, ClinGen allele CA16036390.